The following is an entry in ClinVar:

ClinVar aggregate classification (germline): Uncertain significance (1 of 4 stars; one submission).

Submission:

Ambry Genetics
Classification: Uncertain significance. Last evaluated: 2021-12-10. Review status: criteria provided, single submitter. Criteria: Ambry Variant Classification Scheme 2023. Collection method: clinical testing. Allele origin: germline.
Comment: The p.D1099V variant (also known as c.3296A>T), located in coding exon 17 of the NPAT gene, results from an A to T substitution at nucleotide position 3296. The aspartic acid at codon 1099 is replaced by valine, an amino acid with highly dissimilar properties. This amino acid position is conserved. In addition, this alteration is predicted to be tolerated by in silico analysis. Since supporting evidence is limited at this time, the clinical significance of this alteration remains unclear.

NM_002519.3(NPAT):c.3296A>T (p.Asp1099Val)

Gene: NPAT (nuclear protein, coactivator of histone transcription; minus strand). Cytogenetic location: 11q22.3.
Variant type: single nucleotide variant.
Coding change: c.3296A>T on transcript NM_002519.3 (MANE Select); coding-DNA position 3296, A replaced by T.
Protein change: p.Asp1099Val; replaces aspartic acid 1099 with valine.
Molecular consequence: missense variant.
Genome position (GRCh38, 1-based): chr11:108,161,790, T>A on the plus strand (A>T on the coding strand, the complement: NPAT is on the minus strand). VCF-style: chr11-108161790-T-A. GRCh37 (hg19) VCF-style: chr11-108032517-T-A.
Other names: c.3317A>T, p.Asp1106Val (NM_001321307.1); short protein forms D1099V, D1106V.
Identifiers: ClinVar variation 1729886 (VCV001729886.2), dbSNP rs2496696570, ClinGen allele CA382511115.